The following is an entry in ClinVar:

NM_000246.4(CIITA):c.2201C>T (p.Pro734Leu)

Gene: CIITA (class II major histocompatibility complex transactivator; plus strand). Cytogenetic location: 16p13.13.
Variant type: single nucleotide variant.
Coding change: c.2201C>T on transcript NM_000246.4 (MANE Select); coding-DNA position 2201, C replaced by T.
Protein change: p.Pro734Leu; replaces proline 734 with leucine.
Molecular consequence: missense variant. On other transcripts: intron variant (1).
Genome position (GRCh38, 1-based): chr16:10,907,693, C>T. VCF-style: chr16-10907693-C-T. GRCh37 (hg19) VCF-style: chr16-11001550-C-T.
Other names: c.2204C>T, p.Pro735Leu (NM_001286402.1, NM_001379332.1); c.2057C>T, p.Pro686Leu (NM_001379330.1); c.2054C>T, p.Pro685Leu (NM_001379331.1); c.2201C>T, p.Pro734Leu (NM_001379333.1); c.2132C>T, p.Pro711Leu (NM_001379334.1); c.860-1290C>T (NM_001286403.2); short protein forms P711L, P734L, P735L, P685L, P686L.
Identifiers: ClinVar variation 2177965 (VCV002177965.4), dbSNP rs747917606, ClinGen allele CA7900319.

ClinVar aggregate classification (germline): Uncertain significance. Review status: criteria provided, multiple submitters, no conflicts (2 of 4 stars). 2 submissions from 2 submitters: Uncertain significance (2). Last evaluated 2025-11-06.

Conditions:
MHC class II deficiency. Also called: Bare lymphocyte syndrome 2; BLS, TYPE II. Identifiers: Orphanet 572, MedGen C5447452, MONDO:0008855.
Inborn genetic diseases. Identifiers: MedGen C0950123, MeSH D030342.

Allele frequency attached by ClinVar (database versions not stated): gnomAD exomes below 0.00001; ExAC 0.00001; gnomAD 0.00001; TOPMed 0.00001.
gnomAD v4.1: 9 of 1,614,092 alleles (0.00056%); highest among the groups gnomAD compares: South Asian, 0.0011%; no homozygotes.

Submissions (2):

Ambry Genetics
Classification: Uncertain significance for Inborn genetic diseases. Last evaluated: 2025-11-06. Review status: criteria provided, single submitter. Criteria: Ambry Variant Classification Scheme 2023. Collection method: clinical testing. Allele origin: germline.

Labcorp Genetics (formerly Invitae), Labcorp
Classification: Uncertain significance for MHC class II deficiency. Last evaluated: 2024-07-15. Review status: criteria provided, single submitter. Criteria: Invitae Variant Classification Sherloc (09022015). Collection method: clinical testing. Allele origin: germline.
Comment: This sequence change replaces proline, which is neutral and non-polar, with leucine, which is neutral and non-polar, at codon 734 of the CIITA protein (p.Pro734Leu). This variant is present in population databases (rs747917606, gnomAD 0.007%). This variant has not been reported in the literature in individuals affected with CIITA-related conditions. ClinVar contains an entry for this variant (Variation ID: 2177965). An algorithm developed to predict the effect of missense changes on protein structure and function outputs the following: PolyPhen-2: "Benign". The leucine amino acid residue is found in multiple mammalian species, which suggests that this missense change does not adversely affect protein function. In summary, the available evidence is currently insufficient to determine the role of this variant in disease. Therefore, it has been classified as a Variant of Uncertain Significance.